The following is an entry in ClinVar:

ClinVar aggregate classification (germline): Uncertain significance (1 of 4 stars; one submission).

Conditions:
Inborn genetic diseases. Identifiers: MedGen C0950123, MeSH D030342.

Submission:

Ambry Genetics
Classification: Uncertain significance for Inborn genetic diseases. Last evaluated: 2025-03-28. Review status: criteria provided, single submitter. Criteria: Ambry Variant Classification Scheme 2023. Collection method: clinical testing. Allele origin: germline.
Comment: The p.S516P variant (also known as c.1546T>C), located in coding exon 8 of the MECOM gene, results from a T to C substitution at nucleotide position 1546. The serine at codon 516 is replaced by proline, an amino acid with similar properties. This amino acid position is conserved. In addition, this alteration is predicted to be tolerated by in silico analysis. Based on the available evidence, the clinical significance of this variant remains unclear.

NM_004991.4(MECOM):c.1546T>C (p.Ser516Pro)

Gene: MECOM (MDS1 and EVI1 complex locus; minus strand). Cytogenetic location: 3q26.2.
Variant type: single nucleotide variant.
Coding change: c.1546T>C on transcript NM_004991.4 (MANE Select); coding-DNA position 1546, T replaced by C.
Protein change: p.Ser516Pro; replaces serine 516 with proline.
Molecular consequence: missense variant. On other transcripts: intron variant (2).
Genome position (GRCh38, 1-based): chr3:169,116,326, A>G on the plus strand (T>C on the coding strand, the complement: MECOM is on the minus strand). VCF-style: chr3-169116326-A-G. GRCh37 (hg19) VCF-style: chr3-168834114-A-G.
Other names: c.1177T>C, p.Ser393Pro (NM_001105077.4); c.982T>C, p.Ser328Pro (NM_001105078.4, NM_001164000.2, NM_001205194.2 and 4 more transcripts); c.985T>C, p.Ser329Pro (NM_001163999.2, NM_001366467.2, NM_001366468.2 and 1 more transcripts); c.1546T>C, p.Ser516Pro (NM_001366466.2); c.1133-559T>C (NM_001366473.2); c.569-559T>C (NM_001366474.2); short protein forms S328P, S329P, S393P, S516P.
Identifiers: ClinVar variation 4053111 (VCV004053111.1).